The following is an entry in ClinVar:

ClinVar aggregate classification (germline): Uncertain significance (1 of 4 stars; one submission).

Conditions:
Inborn genetic diseases. Identifiers: MedGen C0950123, MeSH D030342.

Submission:

Ambry Genetics
Classification: Uncertain significance for Inborn genetic diseases. Last evaluated: 2026-08-20. Review status: criteria provided, single submitter. Criteria: Ambry Variant Classification Scheme 2023. Collection method: clinical testing. Allele origin: germline.
Comment: The p.Y1441C variant (also known as c.4322A>G), located in coding exon 13 of the ASXL1 gene, results from an A to G substitution at nucleotide position 4322. The tyrosine at codon 1441 is replaced by cysteine, an amino acid with highly dissimilar properties. This amino acid position is conserved. In addition, this alteration is predicted to be tolerated by in silico analysis. Based on the available evidence, the clinical significance of this variant remains unclear.

NM_015338.6(ASXL1):c.4322A>G (p.Tyr1441Cys)

Gene: ASXL1 (ASXL transcriptional regulator 1; plus strand). Cytogenetic location: 20q11.21.
Variant type: single nucleotide variant.
Coding change: c.4322A>G on transcript NM_015338.6 (MANE Select); coding-DNA position 4322, A replaced by G.
Protein change: p.Tyr1441Cys; replaces tyrosine 1441 with cysteine.
Molecular consequence: missense variant.
Genome position (GRCh38, 1-based): chr20:32,437,034, A>G. VCF-style: chr20-32437034-A-G. GRCh37 (hg19) VCF-style: chr20-31024837-A-G.
Other names: c.4139A>G, p.Tyr1380Cys (NM_001363734.1); short protein forms Y1380C, Y1441C.
Identifiers: ClinVar variation 5030316 (VCV005030316.1).